The following is an entry in ClinVar:

NM_000451.4(SHOX):c.170A>G (p.Gln57Arg)

Gene: SHOX (SHOX homeobox; plus strand). Cytogenetic location: Xp22.33.
Variant type: single nucleotide variant.
Coding change: c.170A>G on transcript NM_000451.4 (MANE Select); coding-DNA position 170, A replaced by G.
Protein change: p.Gln57Arg; replaces glutamine 57 with arginine.
Molecular consequence: missense variant.
Genome position (GRCh38, 1-based): chrX:631,067, A>G. VCF-style: chrX-631067-A-G. GRCh37 (hg19) VCF-style: chrX-591802-A-G.
Other names: c.170A>G, p.Gln57Arg (NM_006883.2); short protein forms Q57R.
Identifiers: ClinVar variation 3571563 (VCV003571563.1).

ClinVar aggregate classification (germline): Uncertain significance (1 of 4 stars; one submission).

gnomAD v4.1: 44 of 1,613,694 alleles (0.0027%); highest among the groups gnomAD compares: African/African-American, 0.049%; no homozygotes.

Submission:

Athena Diagnostics
Classification: Uncertain significance. Last evaluated: 2023-10-27. Review status: criteria provided, single submitter. Criteria: Athena Diagnostics Criteria. Collection method: clinical testing. Allele origin: unknown.
Comment: Available data are insufficient to determine the clinical significance of the variant at this time. The frequency of this variant in the general population is higher than would generally be expected for pathogenic variants in this gene. Computational tools predict that this variant is not damaging.